The following is an entry in ClinVar:

ClinVar aggregate classification (germline): Uncertain significance (1 of 4 stars; one submission).

Allele frequency attached by ClinVar (database versions not stated): gnomAD exomes below 0.00001 and 0.00001.
gnomAD v4.1: 6 of 1,611,622 alleles (0.00037%); highest among the groups gnomAD compares: Non-Finnish European, 0.00051%; no homozygotes.

Submission:

Labcorp Genetics (formerly Invitae), Labcorp
Classification: Uncertain significance. Last evaluated: 2021-07-14. Review status: criteria provided, single submitter. Criteria: Invitae Variant Classification Sherloc (09022015). Collection method: clinical testing. Allele origin: germline.
Comment: Algorithms developed to predict the effect of missense changes on protein structure and function are either unavailable or do not agree on the potential impact of this missense change (SIFT: "Deleterious"; PolyPhen-2: "Possibly Damaging"; Align-GVGD: "Class C0"). In summary, the available evidence is currently insufficient to determine the role of this variant in disease. Therefore, it has been classified as a Variant of Uncertain Significance. This variant has not been reported in the literature in individuals affected with OBSL1-related conditions. This sequence change replaces aspartic acid with asparagine at codon 1065 of the OBSL1 protein (p.Asp1065Asn). The aspartic acid residue is highly conserved and there is a small physicochemical difference between aspartic acid and asparagine. This variant is not present in population databases (ExAC no frequency).

NM_015311.3(OBSL1):c.3193G>A (p.Asp1065Asn)

Gene: OBSL1 (obscurin like cytoskeletal adaptor 1; minus strand). Cytogenetic location: 2q35.
Variant type: single nucleotide variant.
Coding change: c.3193G>A on transcript NM_015311.3 (MANE Select); coding-DNA position 3193, G replaced by A.
Protein change: p.Asp1065Asn; replaces aspartic acid 1065 with asparagine.
Molecular consequence: missense variant.
Genome position (GRCh38, 1-based): chr2:219,559,258, C>T on the plus strand (G>A on the coding strand, the complement: OBSL1 is on the minus strand). VCF-style: chr2-219559258-C-T. GRCh37 (hg19) VCF-style: chr2-220423980-C-T.
Other names: c.3193G>A, p.Asp1065Asn (NM_001173431.2); short protein forms D1065N.
Identifiers: ClinVar variation 1486822 (VCV001486822.8), dbSNP rs953189075, ClinGen allele CA66029584.